The following is an entry in ClinVar:

NM_001384140.1(PCDH15):c.3718-3C>G

Gene: PCDH15 (protocadherin related 15; minus strand). Cytogenetic location: 10q21.1.
Variant type: single nucleotide variant.
Coding change: c.3718-3C>G on transcript NM_001384140.1 (MANE Select); 3 bases into the intron before coding-DNA position 3718, C replaced by G.
Molecular consequence: intron variant.
Genome position (GRCh38, 1-based): chr10:53,857,266, G>C on the plus strand (C>G on the coding strand, the complement: PCDH15 is on the minus strand). VCF-style: chr10-53857266-G-C. GRCh37 (hg19) VCF-style: chr10-55617026-G-C.
Other names: c.3754-3C>G (NM_001142769.3); c.3652-3C>G (NM_001354404.2, NM_001142773.2, NM_001142768.2); c.3607-3C>G (NM_001142767.2); c.3505-3C>G (NM_001142765.2); c.3718-3C>G (NM_001142766.2, NM_033056.4, NM_001142764.2 and 4 more transcripts); c.3733-3C>G (NM_001142763.2, NM_001142771.2); c.3739-3C>G (NM_001354411.2).
Identifiers: ClinVar variation 2146006 (VCV002146006.2), dbSNP rs755749920, ClinGen allele CA5505567.

ClinVar aggregate classification (germline): Uncertain significance. Review status: criteria provided, single submitter (1 of 4 stars). 2 submissions from 2 submitters: Uncertain significance (1). 1 of the submissions does not count toward it. Last evaluated 2022-10-17.

Conditions:
Retinal dystrophy. Also called: Inherited retinal dystrophy. Identifiers: Orphanet 71862, MedGen C0854723, MeSH D058499, MONDO:0019118, HP:0000556.

Allele frequency attached by ClinVar (database versions not stated): ExAC 0.00001; gnomAD 0.00003; gnomAD exomes 0.00001.
gnomAD v4.1: 24 of 1,605,888 alleles (0.0015%); highest among the groups gnomAD compares: African/African-American, 0.0054%; no homozygotes.

Submissions (2):

Labcorp Genetics (formerly Invitae), Labcorp
Classification: Uncertain significance. Last evaluated: 2022-10-17. Review status: criteria provided, single submitter. Criteria: Invitae Variant Classification Sherloc (09022015). Collection method: clinical testing. Allele origin: germline.
Comment: This sequence change falls in intron 27 of the PCDH15 gene. It does not directly change the encoded amino acid sequence of the PCDH15 protein. It affects a nucleotide within the consensus splice site. This variant is present in population databases (rs755749920, gnomAD 0.01%). This variant has not been reported in the literature in individuals affected with PCDH15-related conditions. Variants that disrupt the consensus splice site are a relatively common cause of aberrant splicing (PMID: 17576681, 9536098). Algorithms developed to predict the effect of sequence changes on RNA splicing suggest that this variant may disrupt the consensus splice site. In summary, the available evidence is currently insufficient to determine the role of this variant in disease. Therefore, it has been classified as a Variant of Uncertain Significance.

Institute of Human Genetics, Univ. Regensburg, Univ. Regensburg
Classification: Uncertain significance for Retinal dystrophy. Last evaluated: 2022-01-01. Review status: no assertion criteria provided. Criteria: ACMG Guidelines, 2015. Collection method: clinical testing. Allele origin: germline. Affected: yes. Not counted in ClinVar's aggregate classification.

Literature cited by the submitters: PubMed 17576681 (cited by Labcorp Genetics (formerly Invitae), Labcorp); PubMed 9536098 (cited by Labcorp Genetics (formerly Invitae), Labcorp).